The following is an entry in ClinVar:

ClinVar aggregate classification (germline): Uncertain significance (1 of 4 stars; one submission).

Conditions:
Ehlers-Danlos syndrome, classic type, 1 (EDSCL1). Also called: Ehlers-Danlos syndrome, type 1; Ehlers-Danlos Syndrome, Classic Type, COL5A1-Related; EDS I; EHLERS-DANLOS SYNDROME, GRAVIS TYPE; EHLERS-DANLOS SYNDROME, SEVERE CLASSIC TYPE. Identifiers: MedGen C0268335, MONDO:0019567, OMIM 130000.

Submission:

Labcorp Genetics (formerly Invitae), Labcorp
Classification: Uncertain significance for Ehlers-Danlos syndrome, classic type, 1. Last evaluated: 2020-03-18. Review status: criteria provided, single submitter. Criteria: Invitae Variant Classification Sherloc (09022015). Collection method: clinical testing. Allele origin: germline.
Comment: Algorithms developed to predict the effect of sequence changes on RNA splicing suggest that this variant may disrupt the consensus splice site, but this prediction has not been confirmed by published transcriptional studies. In summary, the available evidence is currently insufficient to determine the role of this variant in disease. Therefore, it has been classified as a Variant of Uncertain Significance. This variant has not been reported in the literature in individuals with COL5A1-related conditions. This variant is not present in population databases (ExAC no frequency). This sequence change falls in intron 7 of the COL5A1 gene. It does not directly change the encoded amino acid sequence of the COL5A1 protein.

NM_000093.5(COL5A1):c.1165-4G>T

Gene: COL5A1 (collagen type V alpha 1 chain; plus strand). Cytogenetic location: 9q34.3.
Variant type: single nucleotide variant.
Coding change: c.1165-4G>T on transcript NM_000093.5 (MANE Select); 4 bases into the intron before coding-DNA position 1165, G replaced by T.
Molecular consequence: intron variant.
Genome position (GRCh38, 1-based): chr9:134,731,492, G>T. VCF-style: chr9-134731492-G-T. GRCh37 (hg19) VCF-style: chr9-137623338-G-T.
Other names: c.1165-4G>T (NM_001278074.1).
Identifiers: ClinVar variation 864551 (VCV000864551.11), dbSNP rs1834877909, ClinGen allele CA916083082.
Genomic context (GRCh38, chr9:134,731,492, plus strand): 5'-CTGATGGAGAGGCAGTGCCTGGTGCGTTTGCGAGGCAACCCTGCGCCTTCCTCTCCCTCT[G>T]CAGCCAGCTCCGCCTCCAGGGGAAGGTGCGGATGACTTGGAGGGGGAGTTCACTGAGGAA-3'